The following is an entry in ClinVar:

ClinVar aggregate classification (germline): Uncertain significance (1 of 4 stars; one submission).

Allele frequency attached by ClinVar (database versions not stated): TOPMed below 0.00001; gnomAD 0.00001; gnomAD exomes 0.00001; ExAC 0.00002.
gnomAD v4.1: 14 of 1,589,340 alleles (0.00088%); highest among the groups gnomAD compares: South Asian, 0.012%; no homozygotes.

Submission:

Labcorp Genetics (formerly Invitae), Labcorp
Classification: Uncertain significance. Last evaluated: 2022-04-07. Review status: criteria provided, single submitter. Criteria: Invitae Variant Classification Sherloc (09022015). Collection method: clinical testing. Allele origin: germline.
Comment: In summary, the available evidence is currently insufficient to determine the role of this variant in disease. Therefore, it has been classified as a Variant of Uncertain Significance. Algorithms developed to predict the effect of missense changes on protein structure and function are either unavailable or do not agree on the potential impact of this missense change (SIFT: "Tolerated"; PolyPhen-2: "Not Available"; Align-GVGD: "Class C0"). This variant has not been reported in the literature in individuals affected with ITSN2-related conditions. This variant is present in population databases (rs780052794, gnomAD 0.01%). This sequence change replaces asparagine, which is neutral and polar, with aspartic acid, which is acidic and polar, at codon 624 of the ITSN2 protein (p.Asn624Asp).

NM_006277.3(ITSN2):c.1870A>G (p.Asn624Asp)

Gene: ITSN2 (intersectin 2; minus strand). Cytogenetic location: 2p23.3.
Variant type: single nucleotide variant.
Coding change: c.1870A>G on transcript NM_006277.3 (MANE Select); coding-DNA position 1870, A replaced by G.
Protein change: p.Asn624Asp; replaces asparagine 624 with aspartic acid.
Molecular consequence: missense variant. On other transcripts: intron variant (5).
Genome position (GRCh38, 1-based): chr2:24,284,837, T>C on the plus strand (A>G on the coding strand, the complement: ITSN2 is on the minus strand). VCF-style: chr2-24284837-T-C. GRCh37 (hg19) VCF-style: chr2-24507706-T-C.
Other names: c.1828A>G, p.Asn610Asp (NM_001348181.2); c.1870A>G, p.Asn624Asp (NM_001348185.2, NM_147152.3); c.1863+1375A>G (NM_001348182.2, NM_019595.4, NM_001348186.2 and 1 more transcripts); c.1821+1375A>G (NM_001348184.2); short protein forms N610D, N624D.
Identifiers: ClinVar variation 2038404 (VCV002038404.4), dbSNP rs780052794, ClinGen allele CA1551341.